The following is an entry in ClinVar:

NM_002693.3(POLG):c.2691_2703dup (p.Leu902fs)

Gene: POLG (DNA polymerase gamma, catalytic subunit; minus strand). Cytogenetic location: 15q26.1.
Variant type: Duplication.
Coding change: c.2691_2703dup on transcript NM_002693.3 (MANE Select); coding-DNA positions 2691 to 2703, 13 bases duplicated (GATTGCAGCTGTG).
Protein change: p.Leu902fs; shifts the reading frame from leucine 902.
Molecular consequence: frameshift variant.
Genome position (GRCh38, 1-based): chr15:89,321,156-89,321,168, CACAGCTGCAATC duplicated on the plus strand (GATTGCAGCTGTG on the coding strand, the reverse complement: POLG is on the minus strand); duplicating any 13 consecutive bases within chr15:89,321,156-89,321,175 gives the same sequence; the c. name uses the placement nearest the transcript's 3' end. VCF-style (leftmost placement, unchanged base first): chr15-89321155-G-GCACAGCTGCAATC. GRCh37 (hg19) VCF-style: chr15-89864386-G-GCACAGCTGCAATC.
Other names: c.2691_2703dup, p.Leu902fs (NM_001126131.2); short protein forms L902fs.
Identifiers: ClinVar variation 1453148 (VCV001453148.6), dbSNP rs2152061226, ClinGen allele CA2573151242.

ClinVar aggregate classification (germline): Pathogenic (1 of 4 stars; one submission).

Conditions:
Progressive sclerosing poliodystrophy (MTDPS4A). Also called: ALPERS PROGRESSIVE INFANTILE POLIODYSTROPHY; NEURONAL DEGENERATION OF CHILDHOOD WITH LIVER DISEASE, PROGRESSIVE; Alpers Syndrome; ALPERS DIFFUSE DEGENERATION OF CEREBRAL GRAY MATTER WITH HEPATIC CIRRHOSIS; Alpers-Huttenlocher Syndrome; Mitochondrial DNA depletion syndrome 4A (Alpers type). Identifiers: Orphanet 726, MedGen C0205710, MONDO:0008758, OMIM 203700.

Submission:

Labcorp Genetics (formerly Invitae), Labcorp
Classification: Pathogenic for Progressive sclerosing poliodystrophy. Last evaluated: 2021-06-26. Review status: criteria provided, single submitter. Criteria: Invitae Variant Classification Sherloc (09022015). Collection method: clinical testing. Allele origin: germline.
Comment: For these reasons, this variant has been classified as Pathogenic. Algorithms developed to predict the effect of sequence changes on RNA splicing suggest that this variant may create or strengthen a splice site, but this prediction has not been confirmed by published transcriptional studies. This variant has not been reported in the literature in individuals with POLG-related conditions. This variant is not present in population databases (ExAC no frequency). This sequence change creates a premature translational stop signal (p.Leu902Aspfs*33) in the POLG gene. It is expected to result in an absent or disrupted protein product. Loss-of-function variants in POLG are known to be pathogenic (PMID: 18546365).

Literature cited by the submitters: PubMed 18546365.